The following is an entry in ClinVar:

NM_001364857.2(ADGRB2):c.4232C>T (p.Ala1411Val)

Gene: ADGRB2 (adhesion G protein-coupled receptor B2; minus strand). Cytogenetic location: 1p35.2.
Variant type: single nucleotide variant.
Coding change: c.4232C>T on transcript NM_001364857.2 (MANE Select); coding-DNA position 4232, C replaced by T.
Protein change: p.Ala1411Val; replaces alanine 1411 with valine.
Molecular consequence: missense variant.
Genome position (GRCh38, 1-based): chr1:31,730,948, G>A on the plus strand (C>T on the coding strand, the complement: ADGRB2 is on the minus strand). VCF-style: chr1-31730948-G-A. GRCh37 (hg19) VCF-style: chr1-32196549-G-A.
Other names: c.4232C>T, p.Ala1411Val (NM_001294335.2, NM_001703.2); c.4133C>T, p.Ala1378Val (NM_001294336.2); short protein forms A1378V, A1411V.
Identifiers: ClinVar variation 2911586 (VCV002911586.5), dbSNP rs145273184, ClinGen allele CA735117.

ClinVar aggregate classification (germline): Uncertain significance. Review status: criteria provided, multiple submitters, no conflicts (2 of 4 stars). 2 submissions from 2 submitters: Uncertain significance (2). Last evaluated 2025-01-23.

Allele frequency attached by ClinVar (database versions not stated): ExAC 0.00006; TOPMed 0.00009; gnomAD 0.00010; gnomAD exomes 0.00011; ESP Exome Variant Server 0.00031.
gnomAD v4.1: 175 of 1,569,810 alleles (0.011%); highest among the groups gnomAD compares: Non-Finnish European, 0.015%; no homozygotes.

Submissions (2):

Ambry Genetics
Classification: Uncertain significance. Last evaluated: 2025-01-23. Review status: criteria provided, single submitter. Criteria: Ambry Variant Classification Scheme 2023. Collection method: clinical testing. Allele origin: germline.

Labcorp Genetics (formerly Invitae), Labcorp
Classification: Uncertain significance. Last evaluated: 2023-11-08. Review status: criteria provided, single submitter. Criteria: Invitae Variant Classification Sherloc (09022015). Collection method: clinical testing. Allele origin: germline.
Comment: This sequence change replaces alanine, which is neutral and non-polar, with valine, which is neutral and non-polar, at codon 1378 of the ADGRB2 protein (p.Ala1378Val). This variant is present in population databases (rs145273184, gnomAD 0.02%). This variant has not been reported in the literature in individuals affected with ADGRB2-related conditions. An algorithm developed to predict the effect of missense changes on protein structure and function (PolyPhen-2) suggests that this variant is likely to be tolerated. In summary, the available evidence is currently insufficient to determine the role of this variant in disease. Therefore, it has been classified as a Variant of Uncertain Significance.